The following is an entry in ClinVar:

NM_001122955.4(BSCL2):c.753T>C (p.Tyr251=)

Genes: BSCL2 (BSCL2 lipid droplet biogenesis associated, seipin; minus strand), HNRNPUL2-BSCL2 (HNRNPUL2-BSCL2 readthrough (NMD candidate); minus strand). Cytogenetic location: 11q12.3.
Variant type: single nucleotide variant.
Coding change: c.753T>C on transcript NM_001122955.4 (MANE Select); coding-DNA position 753, T replaced by C.
Protein change: p.Tyr251=; no amino-acid change (tyrosine 251 retained).
Molecular consequence: synonymous variant. On other transcripts: non-coding transcript variant (1).
Genome position (GRCh38, 1-based): chr11:62,692,675, A>G on the plus strand (T>C on the coding strand, the complement: BSCL2 is on the minus strand). VCF-style: chr11-62692675-A-G. GRCh37 (hg19) VCF-style: chr11-62460147-A-G.
Other names: c.561T>C, p.Tyr187= (NM_001130702.2, NM_032667.6); c.753T>C, p.Tyr251= (NM_001386027.1, NM_001386028.1).
Identifiers: ClinVar variation 718823 (VCV000718823.15), dbSNP rs773290851, ClinGen allele CA6053483.

ClinVar aggregate classification (germline): Likely benign. Review status: criteria provided, multiple submitters, no conflicts (2 of 4 stars). 2 submissions from 2 submitters: Likely benign (2). Last evaluated 2025-12-01.

Conditions:
Charcot-Marie-Tooth disease type 2. Also called: Charcot-Marie-Tooth type 2. Identifiers: Orphanet 64746, MedGen C0270914, MONDO:0018993.

Allele frequency attached by ClinVar (database versions not stated): gnomAD exomes 0.00001; ExAC 0.00002; TOPMed 0.00003.
gnomAD v4.1: 6 of 1,614,074 alleles (0.00037%); highest among the groups gnomAD compares: Admixed American, 0.0033%; no homozygotes.

Submissions (2):

CeGaT Center for Human Genetics Tuebingen
Classification: Likely benign. Last evaluated: 2025-12-01. Review status: criteria provided, single submitter. Criteria: CeGaT Center For Human Genetics Tuebingen Variant Classification Criteria Version 2. Collection method: clinical testing. Allele origin: germline. Affected: yes. Observed: 1 variant allele.
Comment: BSCL2: BP4, BP7

Labcorp Genetics (formerly Invitae), Labcorp
Classification: Likely benign for Charcot-Marie-Tooth disease type 2. Last evaluated: 2024-11-20. Review status: criteria provided, single submitter. Criteria: Invitae Variant Classification Sherloc (09022015). Collection method: clinical testing. Allele origin: germline.